The following is an entry in ClinVar:

ClinVar aggregate classification (germline): Likely pathogenic (1 of 4 stars; one submission).

Conditions:
Hyperekplexia 2 (HKPX2). Identifiers: Orphanet 3197, MedGen C3553291, MONDO:0013828, OMIM 614619.

Submission:

Labcorp Genetics (formerly Invitae), Labcorp
Classification: Likely pathogenic for Hyperekplexia 2. Last evaluated: 2018-10-01. Review status: criteria provided, single submitter. Criteria: Invitae Variant Classification Sherloc (09022015). Collection method: clinical testing. Allele origin: germline.
Comment: This variant is a gross deletion of the genomic region encompassing exon 10 of the GLRB gene. The 5' boundary is likely confined to intron 9. The 3' end of this event is unknown as it extends through the termination codon beyond the assayed region for this gene and may encompass additional genes. While this deletion is not anticipated to result in nonsense mediated decay, it is expected to create a truncated protein product or disrupt mRNA translation. This variant has not been reported in the literature in individuals with GLRB-related disease. This variant disrupts the C-terminus of the GLRB protein. Other variant(s) that disrupt this region (p.Val408Serfs*5, p.Arg472*, andÂ¬â€ p.Tyr492Cys) have been observed in affected individuals (PMID:Â¬â€ 23184146, Invitae). This suggests that this may be a clinically significant region of the protein. In summary, the currently available evidence indicates that the variant is pathogenic, but additional data are needed to prove that conclusively. Therefore, this variant has been classified as Likely Pathogenic.

NC_000004.12:g.(?_157170412)_(157170748_?)del

Gene: GLRB (glycine receptor beta; plus strand). Cytogenetic location: 4q32.1.
Variant type: Deletion.
Identifiers: ClinVar variation 663950 (VCV000663950.1).